The following is an entry in ClinVar:

ClinVar aggregate classification (germline): Pathogenic (1 of 4 stars; one submission).

Conditions:
Hypercholesterolemia, familial, 4 (FHCL4). Also called: HYPERCHOLESTEROLEMIA, AUTOSOMAL RECESSIVE, 1; HYPERCHOLESTEROLEMIA, AUTOSOMAL RECESSIVE, 2. Identifiers: Orphanet 391665, MedGen C1863512, MONDO:0011374, OMIM 603813.

Submission:

Labcorp Genetics (formerly Invitae), Labcorp
Classification: Pathogenic for Hypercholesterolemia, familial, 4. Last evaluated: 2022-10-31. Review status: criteria provided, single submitter. Criteria: Invitae Variant Classification Sherloc (09022015). Collection method: clinical testing. Allele origin: germline.
Comment: This variant has not been reported in the literature in individuals affected with LDLRAP1-related conditions. This sequence change creates a premature translational stop signal (p.Asp183Thrfs*21) in the LDLRAP1 gene. It is expected to result in an absent or disrupted protein product. Loss-of-function variants in LDLRAP1 are known to be pathogenic (PMID: 11326085, 12464675). This variant is not present in population databases (gnomAD no frequency). ClinVar contains an entry for this variant (Variation ID: 1456558). For these reasons, this variant has been classified as Pathogenic.

Literature cited by the submitters: PubMed 11326085; PubMed 12464675.

NM_015627.3(LDLRAP1):c.547del (p.Asp183fs)

Gene: LDLRAP1 (low density lipoprotein receptor adaptor protein 1; plus strand). Cytogenetic location: 1p36.11.
Variant type: Deletion.
Coding change: c.547del on transcript NM_015627.3 (MANE Select); coding-DNA position 547, one base deleted (G; older notation c.547delG).
Protein change: p.Asp183fs; shifts the reading frame from aspartic acid 183.
Molecular consequence: frameshift variant.
Genome position (GRCh38, 1-based): chr1:25,563,084, G deleted; the last of 3 consecutive G bases (chr1:25,563,082-25,563,084); deleting any one gives the same sequence. VCF-style (leftmost placement, unchanged base first): chr1-25563081-AG-A. GRCh37 (hg19) VCF-style: chr1-25889572-AG-A.
Other names: short protein forms D183fs.
Identifiers: ClinVar variation 1456558 (VCV001456558.6), dbSNP rs2124690250, ClinGen allele CA2573132172.